The following is an entry in ClinVar:

NM_001164508.2(NEB):c.2618C>T (p.Thr873Ile)

Gene: NEB (nebulin; minus strand). Cytogenetic location: 2q23.3.
Variant type: single nucleotide variant.
Coding change: c.2618C>T on transcript NM_001164508.2 (MANE Select); coding-DNA position 2618, C replaced by T.
Protein change: p.Thr873Ile; replaces threonine 873 with isoleucine.
Molecular consequence: missense variant.
Genome position (GRCh38, 1-based): chr2:151,687,438, G>A on the plus strand (C>T on the coding strand, the complement: NEB is on the minus strand). VCF-style: chr2-151687438-G-A. GRCh37 (hg19) VCF-style: chr2-152543952-G-A.
Other names: c.2618C>T (NM_004543.4); c.2618C>T, p.Thr873Ile (NM_001164507.2, NM_001271208.2, NM_004543.5); short protein forms T873I.
Identifiers: ClinVar variation 2141669 (VCV002141669.5), dbSNP rs948435174, ClinGen allele CA57666134.

ClinVar aggregate classification (germline): Uncertain significance. Review status: criteria provided, multiple submitters, no conflicts (2 of 4 stars). 3 submissions from 3 submitters: Uncertain significance (3). Last evaluated 2024-07-09.

Conditions:
Inborn genetic diseases. Identifiers: MedGen C0950123, MeSH D030342.
Nemaline myopathy 2 (NEM2). Also called: Nemaline myopathy 2, autosomal recessive. Identifiers: MedGen C1850569, MONDO:0009725, OMIM 256030.

Allele frequency attached by ClinVar (database versions not stated): gnomAD exomes below 0.00001; TOPMed 0.00005.
gnomAD v4.1: 6 of 1,613,654 alleles (0.00037%); highest among the groups gnomAD compares: Admixed American, 0.0033%; no homozygotes.

Submissions (3):

Ambry Genetics
Classification: Uncertain significance for Inborn genetic diseases. Last evaluated: 2024-07-09. Review status: criteria provided, single submitter. Criteria: Ambry Variant Classification Scheme 2023. Collection method: clinical testing. Allele origin: germline.

Labcorp Genetics (formerly Invitae), Labcorp
Classification: Uncertain significance for Nemaline myopathy 2. Last evaluated: 2022-06-04. Review status: criteria provided, single submitter. Criteria: Invitae Variant Classification Sherloc (09022015). Collection method: clinical testing. Allele origin: germline.
Comment: This sequence change replaces threonine, which is neutral and polar, with isoleucine, which is neutral and non-polar, at codon 873 of the NEB protein (p.Thr873Ile). This variant is not present in population databases (gnomAD no frequency). This variant has not been reported in the literature in individuals affected with NEB-related conditions. Algorithms developed to predict the effect of missense changes on protein structure and function are either unavailable or do not agree on the potential impact of this missense change (SIFT: "Deleterious"; PolyPhen-2: "Not Available"; Align-GVGD: "Class C0"). In summary, the available evidence is currently insufficient to determine the role of this variant in disease. Therefore, it has been classified as a Variant of Uncertain Significance.

Revvity Omics, Revvity
Classification: Uncertain significance. Last evaluated: 2019-10-15. Review status: criteria provided, single submitter. Criteria: ACMG Guidelines, 2015. Collection method: clinical testing. Allele origin: germline.